The following is an entry in ClinVar:

ClinVar aggregate classification (germline): Uncertain significance. Review status: criteria provided, multiple submitters, no conflicts (2 of 4 stars). 2 submissions from 2 submitters: Uncertain significance (2). Last evaluated 2024-10-17.

Conditions:
Hereditary cancer-predisposing syndrome. Also called: Tumor predisposition; Hereditary neoplastic syndrome; Neoplastic Syndromes, Hereditary; Hereditary Cancer Syndrome. Identifiers: Orphanet 140162, MedGen C0027672, MeSH D009386, MONDO:0015356.
Familial meningioma. Also called: Meningioma, familial, susceptibility to. Identifiers: Orphanet 263662, MedGen C3551915, MONDO:0011789, OMIM 607174.

Allele frequency attached by ClinVar (database versions not stated): gnomAD exomes below 0.00001; ExAC 0.00001.
gnomAD v4.1: 7 of 1,612,854 alleles (0.00043%); highest among the groups gnomAD compares: South Asian, 0.0044%; no homozygotes.

Submissions (2):

Labcorp Genetics (formerly Invitae), Labcorp
Classification: Uncertain significance for Familial meningioma. Last evaluated: 2024-10-17. Review status: criteria provided, single submitter. Criteria: Invitae Variant Classification Sherloc (09022015). Collection method: clinical testing. Allele origin: germline.
Comment: This sequence change replaces tyrosine, which is neutral and polar, with cysteine, which is neutral and slightly polar, at codon 36 of the SMARCE1 protein (p.Tyr36Cys). This variant is present in population databases (rs767656838, gnomAD 0.01%). This variant has not been reported in the literature in individuals affected with SMARCE1-related conditions. ClinVar contains an entry for this variant (Variation ID: 1946032). Invitae Evidence Modeling of protein sequence and biophysical properties (such as structural, functional, and spatial information, amino acid conservation, physicochemical variation, residue mobility, and thermodynamic stability) indicates that this missense variant is expected to disrupt SMARCE1 protein function with a positive predictive value of 80%. In summary, the available evidence is currently insufficient to determine the role of this variant in disease. Therefore, it has been classified as a Variant of Uncertain Significance.

Ambry Genetics
Classification: Uncertain significance for Hereditary cancer-predisposing syndrome. Last evaluated: 2024-05-07. Review status: criteria provided, single submitter. Criteria: Ambry Variant Classification Scheme 2023. Collection method: clinical testing. Allele origin: germline.
Comment: The p.Y36C variant (also known as c.107A>G), located in coding exon 3 of the SMARCE1 gene, results from an A to G substitution at nucleotide position 107. The tyrosine at codon 36 is replaced by cysteine, an amino acid with highly dissimilar properties. This amino acid position is conserved. In addition, the in silico prediction for this alteration is inconclusive. Based on the available evidence, the clinical significance of this variant remains unclear.

NM_003079.5(SMARCE1):c.107A>G (p.Tyr36Cys)

Gene: SMARCE1 (SWI/SNF related BAF chromatin remodeling complex subunit E1; minus strand). Cytogenetic location: 17q21.2.
Variant type: single nucleotide variant.
Coding change: c.107A>G on transcript NM_003079.5 (MANE Select); coding-DNA position 107, A replaced by G.
Protein change: p.Tyr36Cys; replaces tyrosine 36 with cysteine.
Molecular consequence: missense variant.
Genome position (GRCh38, 1-based): chr17:40,642,504, T>C on the plus strand (A>G on the coding strand, the complement: SMARCE1 is on the minus strand). VCF-style: chr17-40642504-T-C. GRCh37 (hg19) VCF-style: chr17-38798756-T-C.
Other names: short protein forms Y36C.
Identifiers: ClinVar variation 1946032 (VCV001946032.6), dbSNP rs767656838, ClinGen allele CA8545322.
Genomic context (GRCh38, chr17:40,642,504, plus strand): 5'-GATTCTCCTACCGTGACCCGGCTGTTGGTGCCCGGGTTCCCTCCCAGCCTGTAGTTGTTG[T>C]AGGCGAGATGACTGTATGGATTGTATCCCACAAACCCTGGTGTGCTGGGCATTTGCTGAT-3'
Protein context (NP_003070.3, residues 26-46): VGYNPYSHLA[Tyr36Cys]NNYRLGGNPG